The following is an entry in ClinVar:

NM_003401.5(XRCC4):c.908T>C (p.Leu303Pro)

Gene: XRCC4 (X-ray repair cross complementing 4; plus strand). Cytogenetic location: 5q14.2.
Variant type: single nucleotide variant.
Coding change: c.908T>C on transcript NM_003401.5 (MANE Select); coding-DNA position 908, T replaced by C.
Protein change: p.Leu303Pro; replaces leucine 303 with proline.
Molecular consequence: missense variant.
Genome position (GRCh38, 1-based): chr5:83,353,145, T>C. VCF-style: chr5-83353145-T-C. GRCh37 (hg19) VCF-style: chr5-82648964-T-C.
Other names: c.914T>C, p.Leu305Pro (NM_001318012.3, NM_022406.5); c.908T>C, p.Leu303Pro (NM_022550.4); short protein forms L303P, L305P.
Identifiers: ClinVar variation 1931090 (VCV001931090.2), dbSNP rs1043305427, ClinGen allele CA122029004.
Genomic context (GRCh38, chr5:83,353,145, plus strand): 5'-GAAGTTTTTAAAAATAAAACTATTTTGATTTTCTTTTCAGTTCTAGGCCTGATTCTTCAC[T>C]ACCTGAGACGTCTAAAAAGGAGCACATCTCAGCTGAAAACATGTCTTTAGAAACTCTGAG-3'
Protein context (NP_003392.1, residues 293-313): LQEKEKPDSS[Leu303Pro]PETSKKEHIS

ClinVar aggregate classification (germline): Uncertain significance (1 of 4 stars; one submission).

Allele frequency attached by ClinVar (database versions not stated): gnomAD exomes 0.00002; TOPMed 0.00003; gnomAD 0.00004.
gnomAD v4.1: 36 of 1,605,976 alleles (0.0022%); highest among the groups gnomAD compares: Non-Finnish European, 0.0029%; no homozygotes.

Submission:

Labcorp Genetics (formerly Invitae), Labcorp
Classification: Uncertain significance. Last evaluated: 2022-10-25. Review status: criteria provided, single submitter. Criteria: Invitae Variant Classification Sherloc (09022015). Collection method: clinical testing. Allele origin: germline.
Comment: This sequence change replaces leucine, which is neutral and non-polar, with proline, which is neutral and non-polar, at codon 305 of the XRCC4 protein (p.Leu305Pro). This variant is present in population databases (no rsID available, gnomAD 0.002%). This variant has not been reported in the literature in individuals affected with XRCC4-related conditions. Algorithms developed to predict the effect of missense changes on protein structure and function output the following: SIFT: "Not Available"; PolyPhen-2: "Probably Damaging"; Align-GVGD: "Not Available". The proline amino acid residue is found in multiple mammalian species, which suggests that this missense change does not adversely affect protein function. In summary, the available evidence is currently insufficient to determine the role of this variant in disease. Therefore, it has been classified as a Variant of Uncertain Significance.